The following is an entry in ClinVar:

NM_000784.4(CYP27A1):c.356G>A (p.Arg119Gln)

Gene: CYP27A1 (cytochrome P450 family 27 subfamily A member 1; plus strand). Cytogenetic location: 2q35.
Variant type: single nucleotide variant.
Coding change: c.356G>A on transcript NM_000784.4 (MANE Select); coding-DNA position 356, G replaced by A.
Protein change: p.Arg119Gln; replaces arginine 119 with glutamine.
Molecular consequence: missense variant.
Genome position (GRCh38, 1-based): chr2:218,809,677, G>A. VCF-style: chr2-218809677-G-A. GRCh37 (hg19) VCF-style: chr2-219674400-G-A.
Other names: short protein forms R119Q.
Identifiers: ClinVar variation 2145902 (VCV002145902.4), dbSNP rs748904875, ClinGen allele CA350583376.

ClinVar aggregate classification (germline): Uncertain significance (1 of 4 stars; one submission).

Conditions:
Cholestanol storage disease (CTX). Also called: Cerebrotendinous Xanthomatosis; CEREBRAL CHOLESTERINOSIS; CTX: Cerebrotendinous xanthomatosis. Identifiers: Orphanet 909, MedGen C0238052, MONDO:0008948, OMIM 213700.

gnomAD v4.1: 8 of 1,614,084 alleles (0.0005%); highest among the groups gnomAD compares: Middle Eastern, 0.017%; no homozygotes.

Submission:

Labcorp Genetics (formerly Invitae), Labcorp
Classification: Uncertain significance for Cholestanol storage disease. Last evaluated: 2023-12-11. Review status: criteria provided, single submitter. Criteria: Invitae Variant Classification Sherloc (09022015). Collection method: clinical testing. Allele origin: germline.
Comment: This sequence change replaces arginine, which is basic and polar, with glutamine, which is neutral and polar, at codon 119 of the CYP27A1 protein (p.Arg119Gln). This variant is present in population databases (no rsID available, gnomAD 0.003%). This variant has not been reported in the literature in individuals affected with CYP27A1-related conditions. ClinVar contains an entry for this variant (Variation ID: 2145902). Advanced modeling of protein sequence and biophysical properties (such as structural, functional, and spatial information, amino acid conservation, physicochemical variation, residue mobility, and thermodynamic stability) has been performed at Invitae for this missense variant, however the output from this modeling did not meet the statistical confidence thresholds required to predict the impact of this variant on CYP27A1 protein function. In summary, the available evidence is currently insufficient to determine the role of this variant in disease. Therefore, it has been classified as a Variant of Uncertain Significance.